The following is an entry in ClinVar:

ClinVar aggregate classification (germline): Uncertain significance. Review status: criteria provided, multiple submitters, no conflicts (2 of 4 stars). 2 submissions from 2 submitters: Uncertain significance (2). Last evaluated 2025-04-10.

Conditions:
Inborn genetic diseases. Identifiers: MedGen C0950123, MeSH D030342.

Submissions (2):

Ambry Genetics
Classification: Uncertain significance for Inborn genetic diseases. Last evaluated: 2025-04-10. Review status: criteria provided, single submitter. Criteria: Ambry Variant Classification Scheme 2023. Collection method: clinical testing. Allele origin: germline.

Labcorp Genetics (formerly Invitae), Labcorp
Classification: Uncertain significance. Last evaluated: 2022-07-26. Review status: criteria provided, single submitter. Criteria: Invitae Variant Classification Sherloc (09022015). Collection method: clinical testing. Allele origin: germline.
Comment: This sequence change replaces threonine, which is neutral and polar, with serine, which is neutral and polar, at codon 3220 of the SZT2 protein (p.Thr3220Ser). This variant is not present in population databases (gnomAD no frequency). This variant has not been reported in the literature in individuals affected with SZT2-related conditions. ClinVar contains an entry for this variant (Variation ID: 1005647). Algorithms developed to predict the effect of missense changes on protein structure and function are either unavailable or do not agree on the potential impact of this missense change (SIFT: "Tolerated"; PolyPhen-2: "Possibly Damaging"; Align-GVGD: "Class C0"). Algorithms developed to predict the effect of sequence changes on RNA splicing suggest that this variant may create or strengthen a splice site. In summary, the available evidence is currently insufficient to determine the role of this variant in disease. Therefore, it has been classified as a Variant of Uncertain Significance.

NM_001365999.1(SZT2):c.9830C>G (p.Thr3277Ser)

Genes: SZT2 (SZT2 subunit of KICSTOR complex; plus strand), SZT2-AS1 (SZT2 antisense RNA 1; minus strand). Cytogenetic location: 1p34.2.
Variant type: single nucleotide variant.
Coding change: c.9830C>G on transcript NM_001365999.1 (MANE Select); coding-DNA position 9830, C replaced by G.
Protein change: p.Thr3277Ser; replaces threonine 3277 with serine.
Molecular consequence: missense variant. On other transcripts: non-coding transcript variant (1).
Genome position (GRCh38, 1-based): chr1:43,448,345, C>G. VCF-style: chr1-43448345-C-G. GRCh37 (hg19) VCF-style: chr1-43914016-C-G.
Other names: c.9659C>G, p.Thr3220Ser (NM_015284.4); c.9659C>G (NM_015284.3); short protein forms T3220S, T3277S.
Identifiers: ClinVar variation 1005647 (VCV001005647.7), dbSNP rs1655948005, ClinGen allele CA340045695.